The following is an entry in ClinVar:

NM_000383.4(AIRE):c.1399G>C (p.Gly467Arg)

Gene: AIRE (autoimmune regulator; plus strand). Cytogenetic location: 21q22.3.
Variant type: single nucleotide variant.
Coding change: c.1399G>C on transcript NM_000383.4 (MANE Select); coding-DNA position 1399, G replaced by C.
Protein change: p.Gly467Arg; replaces glycine 467 with arginine.
Molecular consequence: missense variant.
Genome position (GRCh38, 1-based): chr21:44,293,909, G>C. VCF-style: chr21-44293909-G-C. GRCh37 (hg19) VCF-style: chr21-45713792-G-C.
Other names: c.1399G>C (NM_000383.2); short protein forms G467R.
Identifiers: ClinVar variation 969976 (VCV000969976.13), dbSNP rs202018301, ClinGen allele CA10052089.

ClinVar aggregate classification (germline): Uncertain significance. Review status: criteria provided, multiple submitters, no conflicts (2 of 4 stars). 4 submissions from 4 submitters: Uncertain significance (2). 2 of the submissions do not count toward it. Last evaluated 2026-01-26.

Conditions:
Polyglandular autoimmune syndrome, type 1 (APS1). Also called: PGA I; Autoimmune polyendocrinopathy syndrome , type I, with or without reversible metaphyseal dysplasia; Autoimmune polyendocrine syndrome type 1; HYPOADRENOCORTICISM WITH HYPOPARATHYROIDISM AND SUPERFICIAL MONILIASIS; Autoimmune polyendocrinopathy syndrome, type I; Whitaker syndrome. Identifiers: Orphanet 3453, MedGen C0085859, MONDO:0009411, OMIM 240300.
Inborn genetic diseases. Identifiers: MedGen C0950123, MeSH D030342.
AIRE-related disorder. Also called: AIRE-related condition.

Allele frequency attached by ClinVar (database versions not stated): TOPMed 0.00005.
gnomAD v4.1: 112 of 1,596,318 alleles (0.007%); highest among the groups gnomAD compares: Non-Finnish European, 0.0094%; no homozygotes.

Submissions (4):

Labcorp Genetics (formerly Invitae), Labcorp
Classification: Uncertain significance for Polyglandular autoimmune syndrome, type 1. Last evaluated: 2026-01-26. Review status: criteria provided, single submitter. Criteria: Invitae Variant Classification Sherloc (09022015). Collection method: clinical testing. Allele origin: germline.
Comment: This sequence change replaces glycine, which is neutral and non-polar, with arginine, which is basic and polar, at codon 467 of the AIRE protein (p.Gly467Arg). This variant is present in population databases (rs202018301, gnomAD 0.007%). This variant has not been reported in the literature in individuals affected with AIRE-related conditions. ClinVar contains an entry for this variant (Variation ID: 969976). Invitae Evidence Modeling of protein sequence and biophysical properties (such as structural, functional, and spatial information, amino acid conservation, physicochemical variation, residue mobility, and thermodynamic stability) indicates that this missense variant is not expected to disrupt AIRE protein function with a negative predictive value of 95%. In summary, the available evidence is currently insufficient to determine the role of this variant in disease. Therefore, it has been classified as a Variant of Uncertain Significance.

Ambry Genetics
Classification: Uncertain significance for Inborn genetic diseases. Last evaluated: 2025-07-15. Review status: criteria provided, single submitter. Criteria: Ambry Variant Classification Scheme 2023. Collection method: clinical testing. Allele origin: germline.

PreventionGenetics, part of Exact Sciences
Classification: Uncertain significance for AIRE-related condition. Last evaluated: 2023-11-07. Review status: no assertion criteria provided. Collection method: clinical testing. Allele origin: germline. Not counted in ClinVar's aggregate classification.
Comment: The AIRE c.1399G>C variant is predicted to result in the amino acid substitution p.Gly467Arg. This variant has been reported in an individual with an immunodeficiency phenotype (Table 4, Oftedal et al. 2023. PubMed ID: 37235056). This variant is reported in 0.0080% of alleles in individuals of European (Non-Finnish) descent in gnomAD. At this time, the clinical significance of this variant is uncertain due to the absence of conclusive functional and genetic evidence.

Natera, Inc.
Classification: Uncertain significance for Polyglandular autoimmune syndrome type 1. Last evaluated: 2020-01-24. Review status: no assertion criteria provided. Collection method: clinical testing. Allele origin: germline. Not counted in ClinVar's aggregate classification.